The following is an entry in ClinVar:

ClinVar aggregate classification (germline): Uncertain significance. Review status: criteria provided, multiple submitters, no conflicts (2 of 4 stars). 2 submissions from 2 submitters: Uncertain significance (2). Last evaluated 2026-07-21.

Conditions:
Hereditary cancer-predisposing syndrome. Also called: Hereditary neoplastic syndrome; Hereditary Cancer Syndrome; Neoplastic Syndromes, Hereditary; Tumor predisposition. Identifiers: Orphanet 140162, MedGen C0027672, MeSH D009386, MONDO:0015356.

Submissions (2):

Ambry Genetics
Classification: Uncertain significance for Hereditary cancer-predisposing syndrome. Last evaluated: 2026-07-21. Review status: criteria provided, single submitter. Criteria: Ambry Variant Classification Scheme 2023. Collection method: clinical testing. Allele origin: germline.
Comment: The p.M144V variant (also known as c.430A>G), located in coding exon 4 of the MITF gene, results from an A to G substitution at nucleotide position 430. The methionine at codon 144 is replaced by valine, an amino acid with highly similar properties. This amino acid position is conserved. In addition, the in silico prediction for this alteration is inconclusive. Based on the available evidence, the clinical significance of this variant remains unclear.

GeneDx
Classification: Uncertain significance. Last evaluated: 2023-04-07. Review status: criteria provided, single submitter. Criteria: GeneDx Variant Classification Process June 2021. Collection method: clinical testing. Allele origin: germline. Affected: yes.
Comment: Not observed at significant frequency in large population cohorts (gnomAD); In silico analysis supports that this missense variant has a deleterious effect on protein structure/function; Has not been previously published as pathogenic or benign to our knowledge

NM_001354604.2(MITF):c.751A>G (p.Met251Val)

Gene: MITF (melanocyte inducing transcription factor; plus strand). Cytogenetic location: 3p13.
Variant type: single nucleotide variant.
Coding change: c.751A>G on transcript NM_001354604.2 (MANE Select); coding-DNA position 751, A replaced by G.
Protein change: p.Met251Val; replaces methionine 251 with valine.
Molecular consequence: missense variant.
Genome position (GRCh38, 1-based): chr3:69,941,320, A>G. VCF-style: chr3-69941320-A-G. GRCh37 (hg19) VCF-style: chr3-69990471-A-G.
Other names: c.430A>G, p.Met144Val (NM_000248.4, NM_198158.3); c.595A>G, p.Met199Val (NM_001184967.2, NM_001354608.2); c.748A>G, p.Met250Val (NM_001354605.2, NM_001354606.2, NM_006722.3); c.700A>G, p.Met234Val (NM_001354607.2); c.751A>G, p.Met251Val (NM_198159.3); c.703A>G, p.Met235Val (NM_198177.3); c.262A>G, p.Met88Val (NM_198178.3); short protein forms M144V, M199V, M234V, M235V, M250V, M251V, M88V.
Identifiers: ClinVar variation 2662051 (VCV002662051.2), dbSNP rs2471598540, ClinGen allele CA353561201.